The following is an entry in ClinVar:

NM_000443.4(ABCB4):c.1584G>C (p.Glu528Asp)

Gene: ABCB4 (ATP binding cassette subfamily B member 4; minus strand). Cytogenetic location: 7q21.12.
Variant type: single nucleotide variant.
Coding change: c.1584G>C on transcript NM_000443.4 (MANE Select); coding-DNA position 1584, G replaced by C.
Protein change: p.Glu528Asp; replaces glutamic acid 528 with aspartic acid.
Molecular consequence: missense variant.
Genome position (GRCh38, 1-based): chr7:87,439,814, C>G on the plus strand (G>C on the coding strand, the complement: ABCB4 is on the minus strand). VCF-style: chr7-87439814-C-G. GRCh37 (hg19) VCF-style: chr7-87069130-C-G.
Other names: c.1584G>C, p.Glu528Asp (NM_018849.3, NM_018850.3); short protein forms E528D.
Identifiers: ClinVar variation 194334 (VCV000194334.47), dbSNP rs8187797, ClinGen allele CA201123.

ClinVar aggregate classification (germline): Benign/Likely benign. Review status: criteria provided, multiple submitters, no conflicts (2 of 4 stars). 10 submissions from 9 submitters: Benign (9); Likely benign (1). Last evaluated 2026-08-01.

Conditions:
Low phospholipid associated cholelithiasis (GBD1). Also called: Gallstone cholecystitis; Gallbladder disease 1. Identifiers: Orphanet 69663, MedGen C2609268, MONDO:0010939, OMIM 600803.
Familial intrahepatic cholestasis. Identifiers: Orphanet 284385, MedGen CN296401, MONDO:0017290.
Cholestasis, intrahepatic, of pregnancy, 3. Identifiers: Orphanet 69665, MedGen C3554241, MONDO:0013995, OMIM 614972.
Progressive familial intrahepatic cholestasis type 3. Also called: MDR3 DEFICIENCY; Low Gamma-GT Familial Intrahepatic Cholestasis. Identifiers: Orphanet 79305, MedGen C1865643, MONDO:0011214, OMIM 602347.

Allele frequency attached by ClinVar (database versions not stated): gnomAD exomes 0.00078 and 0.00213; ExAC 0.00264; 1000 Genomes Project 30x 0.00640; 1000 Genomes Project 0.00659; gnomAD 0.00829 and 0.00888; TOPMed 0.00904; ESP Exome Variant Server 0.01061.
gnomAD v4.1: 2,444 of 1,614,180 alleles (0.15%); highest among the groups gnomAD compares: African/African-American, 2.9%; 42 homozygotes.

Submissions (10):

CeGaT Center for Human Genetics Tuebingen
Classification: Benign. Last evaluated: 2026-08-01. Review status: criteria provided, single submitter. Criteria: CeGaT Center For Human Genetics Tuebingen Variant Classification Criteria Version 2. Collection method: clinical testing. Allele origin: germline. Affected: yes. Observed: 2 variant alleles.
Comment: ABCB4: PP2, BP4, BS1, BS2

Genomenon, Inc
Classification: Benign for Familial intrahepatic cholestasis; Low phospholipid associated cholelithiasis. Last evaluated: 2026-04-14. Review status: criteria provided, single submitter. Criteria: Genomenon Sequence Variant Interpretation Standards - Updated. Collection method: curation. Allele origin: germline. Affected: yes.
Comment: ABCB4 p.Glu528Asp (c.1584G>C) is a missense variant that changes the amino acid at residue 528 from Glutamic acid to Aspartic acid. This variant has been observed in at least one proband with an ABCB4-related disorder (PMID:33915153;31538484;29761167;28587926;12891548;23533021;16696816). Functional studies have been reported (PMID:28587926). In silico models predict that this variant is not damaging. This variant’s allele frequency in gnomAD is greater than expected for this disorder. This variant has been observed in multiple homozygous individuals in gnomAD. In conclusion, we classify ABCB4 p.Glu528Asp (c.1584G>C) as a benign variant.

Labcorp Genetics (formerly Invitae), Labcorp
Classification: Benign. Last evaluated: 2026-01-28. Review status: criteria provided, single submitter. Criteria: Invitae Variant Classification Sherloc (09022015). Collection method: clinical testing. Allele origin: germline.

Mayo Clinic Laboratories, Mayo Clinic
Classification: Likely benign. Last evaluated: 2025-09-04. Review status: criteria provided, single submitter. Criteria: ACMG Guidelines, 2015. Collection method: clinical testing. Allele origin: germline. Observed: 9 variant alleles.
Comment: BS1, BS2, BP4

Women's Health and Genetics/Laboratory Corporation of America, LabCorp
Classification: Benign. Last evaluated: 2022-03-18. Review status: criteria provided, single submitter. Criteria: LabCorp Variant Classification Summary - May 2015. Collection method: clinical testing. Allele origin: germline.
Comment: Variant summary: ABCB4 c.1584G>C (p.Glu528Asp) results in a conservative amino acid change in the encoded protein sequence. Four of five in-silico tools predict a benign effect of the variant on protein function. The variant allele was found at a frequency of 0.0021 in 251324 control chromosomes, predominantly at a frequency of 0.03 within the African or African-American subpopulation in the gnomAD database, including 8 homozygotes. The observed variant frequency within African or African-American control individuals in the gnomAD database is approximately 13 fold of the estimated maximal expected allele frequency for a pathogenic variant in ABCB4 causing Familial Intrahepatic Cholestasis phenotype (0.0022), strongly suggesting that the variant is a benign polymorphism found primarily in populations of African or African-American origin. Four clinical diagnostic laboratories have submitted clinical-significance assessments for this variant to ClinVar after 2014 without evidence for independent evaluation. All laboratories classified the variant as benign. Based on the evidence outlined above, the variant was classified as benign.

Illumina Laboratory Services, Illumina
Classification: Benign for Cholestasis, intrahepatic, of pregnancy, 3. Last evaluated: 2017-04-27. Review status: criteria provided, single submitter. Criteria: ICSL Variant Classification Criteria 13 December 2019. Collection method: clinical testing. Allele origin: germline.
Comment: This variant was observed as part of a predisposition screen in an ostensibly healthy population. A literature search was performed for the gene, cDNA change, and amino acid change (where applicable). Publications were found based on this search. The evidence from the literature, in combination with allele frequency data from public databases where available, was sufficient to rule this variant out of causing disease. Therefore, this variant is classified as benign.

Illumina Laboratory Services, Illumina
Classification: Benign for Progressive familial intrahepatic cholestasis type 3. Last evaluated: 2017-04-27. Review status: criteria provided, single submitter. Criteria: ICSL Variant Classification Criteria 13 December 2019. Collection method: clinical testing. Allele origin: germline.
Comment: the same text as in the submission from Illumina Laboratory Services, Illumina above.

GeneDx
Classification: Benign. Last evaluated: 2016-03-01. Review status: criteria provided, single submitter. Criteria: GeneDx Variant Classification (06012015). Collection method: clinical testing. Allele origin: germline. Affected: yes.
Comment: This variant is considered likely benign or benign based on one or more of the following criteria: it is a conservative change, it occurs at a poorly conserved position in the protein, it is predicted to be benign by multiple in silico algorithms, and/or has population frequency not consistent with disease.

Eurofins Ntd Llc (ga)
Classification: Benign. Last evaluated: 2015-01-27. Review status: criteria provided, single submitter. Criteria: EGL Classification Definitions 2015. Collection method: clinical testing. Allele origin: germline. Observed: 1 variant allele, 1 heterozygote.

Breakthrough Genomics
Classification: Benign. Review status: criteria provided, single submitter. Criteria: ACMG Guidelines, 2015. Collection method: not provided. Allele origin: germline. Inheritance: Autosomal recessive inheritance. Affected: yes.

Literature cited by the submitters: PubMed 33915153 (cited by Genomenon, Inc); PubMed 31538484 (cited by Genomenon, Inc); PubMed 29761167 (cited by Genomenon, Inc); PubMed 28587926 (cited by Genomenon, Inc); PubMed 12891548 (cited by Genomenon, Inc and Illumina Laboratory Services, Illumina); PubMed 23533021 (cited by Genomenon, Inc and Illumina Laboratory Services, Illumina); PubMed 16696816 (cited by Genomenon, Inc and Illumina Laboratory Services, Illumina); PubMed 38374565 (cited by Mayo Clinic Laboratories, Mayo Clinic); PubMed 22331132 (cited by Illumina Laboratory Services, Illumina); PubMed 18083082 (cited by Illumina Laboratory Services, Illumina); PubMed 15077010 (cited by Illumina Laboratory Services, Illumina).